The following is an entry in ClinVar:

NM_000501.4(ELN):c.741G>T (p.Gly247=)

Gene: ELN (elastin; plus strand). Cytogenetic location: 7q11.23.
Variant type: single nucleotide variant.
Coding change: c.741G>T on transcript NM_000501.4 (MANE Select); coding-DNA position 741, G replaced by T.
Protein change: p.Gly247=; no amino-acid change (glycine 247 retained).
Molecular consequence: synonymous variant.
Genome position (GRCh38, 1-based): chr7:74,048,197, G>T. VCF-style: chr7-74048197-G-T. GRCh37 (hg19) VCF-style: chr7-73462527-G-T.
Other names: c.711G>T, p.Gly237= (NM_001081752.3, NM_001278917.2); c.756G>T, p.Gly252= (NM_001081753.3, NM_001081754.3); c.741G>T, p.Gly247= (NM_001081755.3, NM_001278912.2, NM_001278915.2 and 1 more transcripts); c.633G>T, p.Gly211= (NM_001278913.2); c.726G>T, p.Gly242= (NM_001278914.2); c.699G>T, p.Gly233= (NM_001278916.2); c.609G>T, p.Gly203= (NM_001278918.2).
Identifiers: ClinVar variation 2912931 (VCV002912931.3), dbSNP rs782414500, ClinGen allele CA4292662.

ClinVar aggregate classification (germline): Uncertain significance (1 of 4 stars; one submission).

Conditions:
Supravalvar aortic stenosis (SVAS). Also called: Supravalvar aortic stenosis, Eisenberg type. Identifiers: Orphanet 3193, MedGen C0003499, MONDO:0008504, OMIM 185500, HP:0004381.

Allele frequency attached by ClinVar (database versions not stated): TOPMed below 0.00001; ExAC 0.00001; gnomAD exomes 0.00002.
gnomAD v4.1: 27 of 1,614,034 alleles (0.0017%); highest among the groups gnomAD compares: Non-Finnish European, 0.0022%; no homozygotes.

Submission:

Labcorp Genetics (formerly Invitae), Labcorp
Classification: Uncertain significance for Supravalvar aortic stenosis. Last evaluated: 2023-02-21. Review status: criteria provided, single submitter. Criteria: Invitae Variant Classification Sherloc (09022015). Collection method: clinical testing. Allele origin: germline.
Comment: This sequence change affects codon 247 of the ELN mRNA. It is a 'silent' change, meaning that it does not change the encoded amino acid sequence of the ELN protein. This variant is present in population databases (rs782414500, gnomAD 0.004%). This variant has not been reported in the literature in individuals affected with ELN-related conditions. Algorithms developed to predict the effect of sequence changes on RNA splicing suggest that this variant may create or strengthen a splice site. In summary, the available evidence is currently insufficient to determine the role of this variant in disease. Therefore, it has been classified as a Variant of Uncertain Significance.